The following is an entry in ClinVar:

NM_001330260.2(SCN8A):c.141C>T (p.Asp47=)

Genes: SCN8A (sodium voltage-gated channel alpha subunit 8; plus strand), LOC114803470 (SCN8A eExon liver enhancer; plus strand). Cytogenetic location: 12q13.13.
Variant type: single nucleotide variant.
Coding change: c.141C>T on transcript NM_001330260.2 (MANE Select); coding-DNA position 141, C replaced by T.
Protein change: p.Asp47=; no amino-acid change (aspartic acid 47 retained).
Molecular consequence: synonymous variant.
Genome position (GRCh38, 1-based): chr12:51,662,958, C>T. VCF-style: chr12-51662958-C-T. GRCh37 (hg19) VCF-style: chr12-52056742-C-T.
Other names: p.D47D:GAC>GAT; c.141C>T, p.Asp47= (NM_001177984.3, NM_001369788.1, NM_014191.4).
Identifiers: ClinVar variation 139075 (VCV000139075.37), dbSNP rs149013279, ClinGen allele CA302814.
Genomic context (GRCh38, chr12:51,662,958, plus strand): 5'-GCGCATTGCTGAGAGCAAGCTCAAGAAACCACCAAAGGCCGATGGCAGTCATCGGGAGGA[C>T]GATGAGGACAGCAAGCCCAAGCCAAACAGCGACCTGGAAGCAGGGAAGAGTTTGCCTTTC-3'
Protein context (NP_001317189.1, residues 37-57): PPKADGSHRE[Asp47=]DEDSKPKPNS

ClinVar aggregate classification (germline): Benign/Likely benign. Review status: criteria provided, multiple submitters, no conflicts (2 of 4 stars). 8 submissions from 8 submitters: Benign (4); Likely benign (4). Last evaluated 2026-07-01.

Conditions:
Early-infantile DEE. Also called: Ohtahara syndrome; Early infantile epileptic encephalopathy with suppression bursts; Early infantile epileptic encephalopathy. Identifiers: Orphanet 1934, MedGen C0393706, MONDO:0800491.
Developmental and epileptic encephalopathy, 13 (DEE13). Also called: Early infantile epileptic encephalopathy 13; Developmental and Epileptic Encephalopathy (SCN8A-DEE); SCN8A-Related Epilepsy. Identifiers: Orphanet 442835, MedGen C3281191, MONDO:0013801, OMIM 614558.
Cognitive impairment with or without cerebellar ataxia (CIAT). Identifiers: MedGen C3280415, MONDO:0013680, OMIM 614306.
Seizures, benign familial infantile, 5 (BFIS5). Also called: CONVULSIONS, BENIGN FAMILIAL INFANTILE, 5. Identifiers: Orphanet 306, MedGen C4310728, MONDO:0014903, OMIM 617080.
Myoclonus, familial, 2. Identifiers: MedGen C5193056, MONDO:0100092, OMIM 618364.
Inborn genetic diseases. Identifiers: MedGen C0950123, MeSH D030342.

Allele frequency attached by ClinVar (database versions not stated): gnomAD exomes 0.00051 and 0.00017; gnomAD 0.00184 and 0.00196; 1000 Genomes Project 30x 0.00203; ExAC 0.00072; 1000 Genomes Project 0.00160; TOPMed 0.00206; ESP Exome Variant Server 0.00215.
gnomAD v4.1: 543 of 1,614,024 alleles (0.034%); highest among the groups gnomAD compares: African/African-American, 0.61%; 3 homozygotes.

Submissions (8):

CeGaT Center for Human Genetics Tuebingen
Classification: Likely benign. Last evaluated: 2026-07-01. Review status: criteria provided, single submitter. Criteria: CeGaT Center For Human Genetics Tuebingen Variant Classification Criteria Version 2. Collection method: clinical testing. Allele origin: germline. Affected: yes. Observed: 4 variant alleles.
Comment: SCN8A: BP4, BP7, BS1

Labcorp Genetics (formerly Invitae), Labcorp
Classification: Benign for Early-infantile DEE. Last evaluated: 2026-01-28. Review status: criteria provided, single submitter. Criteria: Invitae Variant Classification Sherloc (09022015). Collection method: clinical testing. Allele origin: germline.

Blueprint Genetics
Classification: Likely benign. Last evaluated: 2024-09-13. Review status: criteria provided, single submitter. Criteria: ACMG Guidelines, 2015. Collection method: clinical testing. Allele origin: germline.

Athena Diagnostics
Classification: Benign. Last evaluated: 2024-06-06. Review status: criteria provided, single submitter. Criteria: Athena Diagnostics Criteria. Collection method: clinical testing. Allele origin: unknown.

Fulgent Genetics
Classification: Likely benign for Cognitive impairment with or without cerebellar ataxia; Developmental and epileptic encephalopathy, 13; Seizures, benign familial infantile, 5; Myoclonus, familial, 2. Last evaluated: 2021-10-29. Review status: criteria provided, single submitter. Criteria: ACMG Guidelines, 2015. Collection method: clinical testing. Allele origin: unknown.

Ambry Genetics
Classification: Likely benign for Inborn genetic diseases. Last evaluated: 2016-06-21. Review status: criteria provided, single submitter. Criteria: Ambry Variant Classification Scheme 2023. Collection method: clinical testing. Allele origin: germline.

Eurofins Ntd Llc (ga)
Classification: Benign. Last evaluated: 2015-05-27. Review status: criteria provided, single submitter. Criteria: EGL Classification Definitions 2015. Collection method: clinical testing. Allele origin: germline. Observed: 1 variant allele, 1 heterozygote.

GeneDx
Classification: Benign. Last evaluated: 2014-05-01. Review status: criteria provided, single submitter. Criteria: GeneDx Variant Classification (06012015). Collection method: clinical testing. Allele origin: germline. Affected: yes.
Comment: This variant is considered likely benign or benign based on one or more of the following criteria: it is a conservative change, it occurs at a poorly conserved position in the protein, it is predicted to be benign by multiple in silico algorithms, and/or has population frequency not consistent with disease.